The following is an entry in ClinVar:

NM_001023570.4(IQCB1):c.1097T>C (p.Leu366Ser)

Gene: IQCB1 (IQ motif containing B1; minus strand). Cytogenetic location: 3q13.33.
Variant type: single nucleotide variant.
Coding change: c.1097T>C on transcript NM_001023570.4 (MANE Select); coding-DNA position 1097, T replaced by C.
Protein change: p.Leu366Ser; replaces leucine 366 with serine.
Molecular consequence: missense variant. On other transcripts: non-coding transcript variant (1).
Genome position (GRCh38, 1-based): chr3:121,790,105, A>G on the plus strand (T>C on the coding strand, the complement: IQCB1 is on the minus strand). VCF-style: chr3-121790105-A-G. GRCh37 (hg19) VCF-style: chr3-121508952-A-G.
Other names: c.698T>C, p.Leu233Ser (NM_001023571.4); c.1097T>C, p.Leu366Ser (NM_001319107.2); short protein forms L233S, L366S.
Identifiers: ClinVar variation 4992374 (VCV004992374.1).

ClinVar aggregate classification (germline): Uncertain significance (1 of 4 stars; one submission).

Conditions:
IQCB1-related disorder. Also called: IQCB1-related condition.

Submission:

PreventionGenetics, part of Exact Sciences
Classification: Uncertain significance for IQCB1-related condition. Last evaluated: 2025-12-03. Review status: criteria provided, single submitter. Criteria: ACMG Guidelines, 2015. Collection method: clinical testing. Allele origin: germline.
Comment: The IQCB1 c.1097T>C variant is predicted to result in the amino acid substitution p.Leu366Ser. To our knowledge, this variant has not been reported in the literature. This variant is reported in 0.00088% of alleles in individuals of European (Non-Finnish) descent in gnomAD. At this time, the clinical significance of this variant is uncertain due to the absence of conclusive functional and genetic evidence.